The following is an entry in ClinVar:

ClinVar aggregate classification (germline): Uncertain significance (1 of 4 stars; one submission).

Conditions:
Hypertrophic cardiomyopathy 14. Identifiers: MedGen C2750467, MONDO:0013197, OMIM 613251.

Submission:

Labcorp Genetics (formerly Invitae), Labcorp
Classification: Uncertain significance for Hypertrophic cardiomyopathy 14. Last evaluated: 2021-01-18. Review status: criteria provided, single submitter. Criteria: Invitae Variant Classification Sherloc (09022015). Collection method: clinical testing. Allele origin: germline.
Comment: This sequence change replaces glutamic acid with glycine at codon 1417 of the MYH6 protein (p.Glu1417Gly). The glutamic acid residue is moderately conserved and there is a moderate physicochemical difference between glutamic acid and glycine. This variant is not present in population databases (ExAC no frequency). This variant has not been reported in the literature in individuals with MYH6-related conditions. Algorithms developed to predict the effect of missense changes on protein structure and function are either unavailable or do not agree on the potential impact of this missense change (SIFT: "Deleterious"; PolyPhen-2: "Probably Damaging"; Align-GVGD: "Class C0"). In summary, the available evidence is currently insufficient to determine the role of this variant in disease. Therefore, it has been classified as a Variant of Uncertain Significance.

NM_002471.4(MYH6):c.4250A>G (p.Glu1417Gly)

Gene: MYH6 (myosin heavy chain 6; minus strand). Cytogenetic location: 14q11.2.
Variant type: single nucleotide variant.
Coding change: c.4250A>G on transcript NM_002471.4 (MANE Select); coding-DNA position 4250, A replaced by G.
Protein change: p.Glu1417Gly; replaces glutamic acid 1417 with glycine.
Molecular consequence: missense variant.
Genome position (GRCh38, 1-based): chr14:23,388,264, T>C on the plus strand (A>G on the coding strand, the complement: MYH6 is on the minus strand). VCF-style: chr14-23388264-T-C. GRCh37 (hg19) VCF-style: chr14-23857473-T-C.
Other names: short protein forms E1417G.
Identifiers: ClinVar variation 1425127 (VCV001425127.8), dbSNP rs1595051406, ClinGen allele CA388999247.